The following is an entry in ClinVar:

ClinVar aggregate classification (germline): Uncertain significance (0 of 4 stars; one submission).

Conditions:
Prostate cancer. Also called: Malignant tumor of prostate. Identifiers: Orphanet 1331, MedGen C0376358, MONDO:0008315, HP:0012125.

Submission:

Science for Life laboratory,  Karolinska Institutet
Classification: Uncertain significance for Malignant tumor of prostate. Review status: no assertion criteria provided. Collection method: not provided. Allele origin: somatic.
Comment: TumorID:SWE-1
ClinVar note: Converted during submission from Unknown to Uncertain significance.

NM_014991.6(WDFY3):c.10260-7C>G

Gene: WDFY3 (WD repeat and FYVE domain containing 3; minus strand). Cytogenetic location: 4q21.23.
Variant type: single nucleotide variant.
Coding change: c.10260-7C>G on transcript NM_014991.6 (MANE Select); 7 bases into the intron before coding-DNA position 10260, C replaced by G.
Molecular consequence: intron variant.
Genome position (GRCh38, 1-based): chr4:84,677,403, G>C on the plus strand (C>G on the coding strand, the complement: WDFY3 is on the minus strand). VCF-style: chr4-84677403-G-C. GRCh37 (hg19) VCF-style: chr4-85598556-G-C.
Identifiers: ClinVar variation 161687 (VCV000161687.2), dbSNP rs193920758, ClinGen allele CA174598.
Genomic context (GRCh38, chr4:84,677,403, plus strand): 5'-GACCAGCTGAAAACTCGGCCTCGACTGTCACCAACGAGGATCCTACTGTGATCCCTGCAG[G>C]AGACACGACAGAGGAGGTCACTGCACGGAAGGCTTCTGTGATCTCCTTCTTGAGGCTCTC-3'